The following is an entry in ClinVar:

NM_001429.4(EP300):c.2997+1G>A

Genes: EP300 (EP300 lysine acetyltransferase; plus strand), LOC126863158 (BRD4-independent group 4 enhancer GRCh37_chr22:41547383-41548582; plus strand). Cytogenetic location: 22q13.2.
Variant type: single nucleotide variant.
Coding change: c.2997+1G>A on transcript NM_001429.4 (MANE Select); the canonical splice donor site of the intron after coding-DNA position 2997, G replaced by A.
Molecular consequence: splice donor variant.
Genome position (GRCh38, 1-based): chr22:41,152,013, G>A. VCF-style: chr22-41152013-G-A. GRCh37 (hg19) VCF-style: chr22-41548017-G-A.
Other names: c.2919+1G>A (NM_001362843.2).
Identifiers: ClinVar variation 667233 (VCV000667233.9), dbSNP rs1169505007, ClinGen allele CA411693136.

ClinVar aggregate classification (germline): Conflicting classifications of pathogenicity. Review status: criteria provided, conflicting classifications (1 of 4 stars). 4 submissions from 4 submitters: Likely pathogenic (1); Uncertain significance (3). Last evaluated 2025-10-21.

Conditions:
EP300-related disorder. Also called: EP300-related condition; EP300-related disorders.

Allele frequency attached by ClinVar (database versions not stated): gnomAD exomes below 0.00001.
gnomAD v4.1: 1 of 1,614,184 alleles (0.000062%); highest among the groups gnomAD compares: African/African-American, 0.0013%; no homozygotes.

Submissions (4):

PreventionGenetics, part of Exact Sciences
Classification: Uncertain significance for EP300-related condition. Last evaluated: 2025-10-21. Review status: criteria provided, single submitter. Criteria: ACMG Guidelines, 2015. Collection method: clinical testing. Allele origin: germline.
Comment: The EP300 c.2997+1G>A variant is predicted to disrupt the GT donor site and interfere with normal splicing. To our knowledge, this variant has not been reported in the literature. This variant is reported in 0.0062% of alleles in individuals of African descent in gnomAD. While this variant is predicted to impact splicing based on available splicing prediction programs (SpliceAI, Jaganathan et al. 2019. PubMed ID: 30661751), the exon located at this splice-site is in-frame, therefore the impact on protein function is unknown. Although we suspect that this variant may be pathogenic, at this time, the clinical significance of this variant is uncertain due to the absence of conclusive functional and genetic evidence.

Revvity Omics, Revvity
Classification: Likely pathogenic. Last evaluated: 2022-09-19. Review status: criteria provided, single submitter. Criteria: ACMG Guidelines, 2015. Collection method: clinical testing. Allele origin: germline.

GeneDx
Classification: Uncertain significance. Last evaluated: 2020-01-31. Review status: criteria provided, single submitter. Criteria: GeneDx Variant Classification Process June 2021. Collection method: clinical testing. Allele origin: germline. Affected: yes.
Comment: Canonical splice site variant expected to result in aberrant splicing, although in the absence of functional evidence the actual effect of this sequence change is unknown.; Has not been previously published as pathogenic or benign to our knowledge

Laboratory for Molecular Medicine, Mass General Brigham Personalized Medicine
Classification: Uncertain significance. Last evaluated: 2018-02-19. Review status: criteria provided, single submitter. Criteria: LMM Criteria. Collection method: clinical testing. Allele origin: germline. Observed: 1 variant allele.
Comment: The c.2997+1G>A variant in EP300 has not been previously reported in individuals with disease, but has been identified in 1/15302 African chromosomes by the Gen ome Aggregation Database (gnomAD). This varia nt occurs in the invariant region (+/- 1,2) of the splice consensus sequence and is predicted to cause altered splicing leading to an abnormal or absent protein . However, the exon located at this splice-site is in-frame, and it is unclear d eletion of this exon would lead to disease, as Rubinstein-Taybi syndrome is seve re and not expected to be present in a general, ostensibly healthy population. n summary, the clinical significance of the c.2997+1G>A variant is uncertain. ACM G/AMP Criteria applied: PM2; PVS1_Moderate.